The following is an entry in ClinVar:

NM_144973.4(DENND5B):c.76G>A (p.Val26Met)

Genes: DENND5B (DENN domain containing 5B; minus strand), DENND5B-AS1 (DENND5B antisense RNA 1; plus strand), LOC130007634 (ATAC-STARR-seq lymphoblastoid silent region 4324; plus strand). Cytogenetic location: 12p11.21.
Variant type: single nucleotide variant.
Coding change: c.76G>A on transcript NM_144973.4 (MANE Select); coding-DNA position 76, G replaced by A.
Protein change: p.Val26Met; replaces valine 26 with methionine.
Molecular consequence: missense variant.
Genome position (GRCh38, 1-based): chr12:31,590,757, C>T on the plus strand (G>A on the coding strand, the complement: DENND5B is on the minus strand). VCF-style: chr12-31590757-C-T. GRCh37 (hg19) VCF-style: chr12-31743691-C-T.
Other names: c.76G>A, p.Val26Met (NM_001366890.1, NM_001366891.1, NM_001366892.1 and 1 more transcripts); short protein forms V26M.
Identifiers: ClinVar variation 4659571 (VCV004659571.2).

ClinVar aggregate classification (germline): Uncertain significance. Review status: criteria provided, multiple submitters, no conflicts (2 of 4 stars). 2 submissions from 2 submitters: Uncertain significance (2). Last evaluated 2025-11-25.

gnomAD v4.1: 4 of 1,422,018 alleles (0.00028%); highest among the groups gnomAD compares: Non-Finnish European, 0.00037%; no homozygotes.

Submissions (2):

Ambry Genetics
Classification: Uncertain significance. Last evaluated: 2025-11-25. Review status: criteria provided, single submitter. Criteria: Ambry Variant Classification Scheme 2023. Collection method: clinical testing. Allele origin: germline.

GeneDx
Classification: Uncertain significance. Last evaluated: 2025-07-22. Review status: criteria provided, single submitter. Criteria: GeneDx Variant Classification Process June 2021. Collection method: clinical testing. Allele origin: germline. Affected: yes.
Comment: Not observed at significant frequency in large population cohorts (gnomAD); In silico analysis suggests that this missense variant does not alter protein structure/function; Has not been previously published as pathogenic or benign to our knowledge